The following is an entry in ClinVar:

NM_000186.4(CFH):c.70C>G (p.Leu24Val)

Gene: CFH (complement factor H; plus strand). Cytogenetic location: 1q31.3.
Variant type: single nucleotide variant.
Coding change: c.70C>G on transcript NM_000186.4 (MANE Select); coding-DNA position 70, C replaced by G.
Protein change: p.Leu24Val; replaces leucine 24 with valine.
Molecular consequence: missense variant.
Genome position (GRCh38, 1-based): chr1:196,672,989, C>G. VCF-style: chr1-196672989-C-G. GRCh37 (hg19) VCF-style: chr1-196642119-C-G.
Other names: c.70C>G, p.Leu24Val (NM_001014975.3); short protein forms L24V.
Identifiers: ClinVar variation 3703641 (VCV003703641.3).

ClinVar aggregate classification (germline): Uncertain significance. Review status: criteria provided, multiple submitters, no conflicts (2 of 4 stars). 2 submissions from 2 submitters: Uncertain significance (2). Last evaluated 2025-10-02.

Conditions:
Basal laminar drusen. Also called: DRUSEN OF BRUCH MEMBRANE; DRUSEN, CUTICULAR; DRUSEN, EARLY ADULT-ONSET, GROUPED. Identifiers: Orphanet 75376, MedGen C0730295, MONDO:0007472, OMIM 126700.
Factor H deficiency (CFHD). Also called: COMPLEMENT FACTOR H DEFICIENCY; CFH DEFICIENCY. Identifiers: Orphanet 200421, MedGen C0398777, MONDO:0012350, OMIM 609814.
Atypical hemolytic-uremic syndrome. Identifiers: Orphanet 2134, MedGen C2931788, MONDO:0016244.
Age related macular degeneration 4. Identifiers: MedGen C1853147, MONDO:0012540, OMIM 610698.

gnomAD v4.1: 19 of 1,613,708 alleles (0.0012%); highest among the groups gnomAD compares: Non-Finnish European, 0.0015%; no homozygotes.

Submissions (2):

Genomenon, Inc
Classification: Uncertain significance for Basal laminar drusen; Age related macular degeneration 4; Atypical hemolytic-uremic syndrome; Factor H deficiency. Last evaluated: 2025-10-02. Review status: criteria provided, single submitter. Criteria: Genomenon Sequence Variant Interpretation Standards - Updated. Collection method: curation. Allele origin: germline. Affected: no.
Comment: CFH p.Leu24Val (c.70C>G) is a missense variant that changes the amino acid at residue 24 from Leucine to Valine. This variant has been reported in the published literature (PMID:26501415). It is absent or not present at a significant frequency in gnomAD. In silico models agree that this variant is not damaging. In conclusion, we classify CFH p.Leu24Val (c.70C>G) as a variant of uncertain significance.

Labcorp Genetics (formerly Invitae), Labcorp
Classification: Uncertain significance. Last evaluated: 2024-10-08. Review status: criteria provided, single submitter. Criteria: Invitae Variant Classification Sherloc (09022015). Collection method: clinical testing. Allele origin: germline.
Comment: This sequence change replaces leucine, which is neutral and non-polar, with valine, which is neutral and non-polar, at codon 24 of the CFH protein (p.Leu24Val). This variant is present in population databases (no rsID available, gnomAD no frequency). This variant has not been reported in the literature in individuals affected with CFH-related conditions. An algorithm developed to predict the effect of missense changes on protein structure and function (PolyPhen-2) suggests that this variant is likely to be tolerated. In summary, the available evidence is currently insufficient to determine the role of this variant in disease. Therefore, it has been classified as a Variant of Uncertain Significance.

Literature cited by the submitters: PubMed 26501415 (cited by Genomenon, Inc).